The following is an entry in ClinVar:

NM_015459.5(ATL3):c.47-29A>T

Gene: ATL3 (atlastin GTPase 3; minus strand). Cytogenetic location: 11q13.1.
Variant type: single nucleotide variant.
Coding change: c.47-29A>T on transcript NM_015459.5 (MANE Select); 29 bases into the intron before coding-DNA position 47, A replaced by T.
Molecular consequence: intron variant.
Genome position (GRCh38, 1-based): chr11:63,659,281, T>A on the plus strand (A>T on the coding strand, the complement: ATL3 is on the minus strand). VCF-style: chr11-63659281-T-A. GRCh37 (hg19) VCF-style: chr11-63426753-T-A.
Other names: c.-8-29A>T (NM_001290048.2).
Identifiers: ClinVar variation 1695713 (VCV001695713.2), dbSNP rs116356353, ClinGen allele CA6063890.

ClinVar aggregate classification (germline): Likely benign (1 of 4 stars; one submission).

Allele frequency attached by ClinVar (database versions not stated): gnomAD exomes 0.00089; ExAC 0.00127; gnomAD 0.00425 and 0.00468; 1000 Genomes Project 0.00439; 1000 Genomes Project 30x 0.00468; TOPMed 0.00487; ESP Exome Variant Server 0.00541.
gnomAD v4.1: 1,217 of 1,589,294 alleles (0.077%); highest among the groups gnomAD compares: African/African-American, 1.5%; 10 homozygotes.

Submission:

GeneDx
Classification: Likely benign. Last evaluated: 2022-01-06. Review status: criteria provided, single submitter. Criteria: GeneDx Variant Classification Process June 2021. Collection method: clinical testing. Allele origin: germline. Affected: yes.
Comment: See Variant Classification Assertion Criteria.